The following is an entry in ClinVar:

NM_005559.4(LAMA1):c.1488C>A (p.Asn496Lys)

Genes: LAMA1 (laminin subunit alpha 1; minus strand), LOC112543434 (P300/CBP strongly-dependent group 1 enhancer GRCh37_chr18:7038146-7039345; plus strand). Cytogenetic location: 18p11.31.
Variant type: single nucleotide variant.
Coding change: c.1488C>A on transcript NM_005559.4 (MANE Select); coding-DNA position 1488, C replaced by A.
Protein change: p.Asn496Lys; replaces asparagine 496 with lysine.
Molecular consequence: missense variant.
Genome position (GRCh38, 1-based): chr18:7,038,885, G>T on the plus strand (C>A on the coding strand, the complement: LAMA1 is on the minus strand). VCF-style: chr18-7038885-G-T. GRCh37 (hg19) VCF-style: chr18-7038884-G-T.
Other names: c.1488C>A (NM_005559.3); short protein forms N496K.
Identifiers: ClinVar variation 1981152 (VCV001981152.2), dbSNP rs781121049, ClinGen allele CA8882976.

ClinVar aggregate classification (germline): Uncertain significance. Review status: criteria provided, multiple submitters, no conflicts (2 of 4 stars). 2 submissions from 2 submitters: Uncertain significance (2). Last evaluated 2024-09-09.

Conditions:
Inborn genetic diseases. Identifiers: MedGen C0950123, MeSH D030342.

Allele frequency attached by ClinVar (database versions not stated): gnomAD 0.00001; ExAC 0.00002; TOPMed 0.00002.
gnomAD v4.1: 72 of 1,613,920 alleles (0.0045%); highest among the groups gnomAD compares: Middle Eastern, 0.033%; 1 homozygote.

Submissions (2):

Ambry Genetics
Classification: Uncertain significance for Inborn genetic diseases. Last evaluated: 2024-09-09. Review status: criteria provided, single submitter. Criteria: Ambry Variant Classification Scheme 2023. Collection method: clinical testing. Allele origin: germline.

Labcorp Genetics (formerly Invitae), Labcorp
Classification: Uncertain significance. Last evaluated: 2022-11-02. Review status: criteria provided, single submitter. Criteria: Invitae Variant Classification Sherloc (09022015). Collection method: clinical testing. Allele origin: germline.
Comment: This sequence change replaces asparagine, which is neutral and polar, with lysine, which is basic and polar, at codon 496 of the LAMA1 protein (p.Asn496Lys). This variant is present in population databases (rs781121049, gnomAD 0.006%), including at least one homozygous and/or hemizygous individual. This variant has not been reported in the literature in individuals affected with LAMA1-related conditions. Algorithms developed to predict the effect of missense changes on protein structure and function (SIFT, PolyPhen-2, Align-GVGD) all suggest that this variant is likely to be disruptive. In summary, the available evidence is currently insufficient to determine the role of this variant in disease. Therefore, it has been classified as a Variant of Uncertain Significance.